The following is an entry in ClinVar:

ClinVar aggregate classification (germline): Pathogenic/Likely pathogenic. Review status: criteria provided, multiple submitters, no conflicts (2 of 4 stars). 2 submissions from 2 submitters: Pathogenic (1); Likely pathogenic (1). Last evaluated 2025-03-05.

Conditions:
Landau-Kleffner syndrome (FESD). Also called: EPILEPSY, FOCAL, WITH SPEECH DISORDER AND WITH OR WITHOUT MENTAL RETARDATION; APHASIA, ACQUIRED, WITH EPILEPSY. Identifiers: Orphanet 1945, Orphanet 725, Orphanet 98818, MedGen C0282512, MONDO:0009509, OMIM 245570.

Submissions (2):

Labcorp Genetics (formerly Invitae), Labcorp
Classification: Pathogenic for Landau-Kleffner syndrome. Last evaluated: 2025-03-05. Review status: criteria provided, single submitter. Criteria: Invitae Variant Classification Sherloc (09022015). Collection method: clinical testing. Allele origin: germline.
Comment: This sequence change creates a premature translational stop signal (p.Ser1341Lysfs*25) in the GRIN2A gene. While this is not anticipated to result in nonsense mediated decay, it is expected to disrupt the last 124 amino acid(s) of the GRIN2A protein. This variant is not present in population databases (gnomAD no frequency). This variant has not been reported in the literature in individuals affected with GRIN2A-related conditions. ClinVar contains an entry for this variant (Variation ID: 2444780). This variant disrupts a region of the GRIN2A protein in which other variant(s) (p.Asn1397Glnfs*23) have been determined to be pathogenic (PMID: 25724810). This suggests that this is a clinically significant region of the protein, and that variants that disrupt it are likely to be disease-causing. For these reasons, this variant has been classified as Pathogenic.

GeneDx
Classification: Likely pathogenic. Last evaluated: 2022-09-16. Review status: criteria provided, single submitter. Criteria: GeneDx Variant Classification Process June 2021. Collection method: clinical testing. Allele origin: germline. Affected: yes.
Comment: Frameshift variant predicted to result in protein truncation, as the last 124 amino acids are replaced with 24 different amino acids, and other loss-of-function variants have been reported downstream in HGMD; Not observed at significant frequency in large population cohorts (gnomAD); Has not been previously published as pathogenic or benign to our knowledge

Literature cited by the submitters: PubMed 25724810 (cited by Labcorp Genetics (formerly Invitae), Labcorp).

NM_001134407.3(GRIN2A):c.4021dup (p.Ser1341fs)

Gene: GRIN2A (glutamate ionotropic receptor NMDA type subunit 2A; minus strand). Cytogenetic location: 16p13.2.
Variant type: Duplication.
Coding change: c.4021dup on transcript NM_001134407.3 (MANE Select); coding-DNA position 4021, one base duplicated (A; older notation c.4021dupA).
Protein change: p.Ser1341fs; shifts the reading frame from serine 1341.
Molecular consequence: frameshift variant. On other transcripts: intron variant (1).
Genome position (GRCh38, 1-based): chr16:9,763,523, T duplicated on the plus strand (A on the coding strand, the reverse complement: GRIN2A is on the minus strand); the first of 7 consecutive T bases (chr16:9,763,523-9,763,529); duplicating any one gives the same sequence. VCF-style (leftmost placement, unchanged base first): chr16-9763522-C-CT. GRCh37 (hg19) VCF-style: chr16-9857379-C-CT.
Other names: c.4021dup, p.Ser1341fs (NM_000833.5); c.3773-95dup (NM_001134408.2); short protein forms S1341fs.
Identifiers: ClinVar variation 2444780 (VCV002444780.3), dbSNP rs1900691662, ClinGen allele CA974531514.
Genomic context (GRCh38, chr16:9,763,522, plus strand): 5'-TGGTCTGGCAAGAGAGACTTGCTCCTCTTGCTGTCCTCCAGACCTTGGGGGAAAAGGGAG[C>CT]TTTTTTTCCCCGAGAGTTTGCTTGAGGGGACACTAAACAGGCTGCCGTAAAAATTTCCCT-3'